The following is an entry in ClinVar:

NM_001083961.2(WDR62):c.1508A>G (p.Asp503Gly)

Gene: WDR62 (WD repeat domain 62; plus strand). Cytogenetic location: 19q13.12.
Variant type: single nucleotide variant.
Coding change: c.1508A>G on transcript NM_001083961.2 (MANE Select); coding-DNA position 1508, A replaced by G.
Protein change: p.Asp503Gly; replaces aspartic acid 503 with glycine.
Molecular consequence: missense variant.
Genome position (GRCh38, 1-based): chr19:36,083,199, A>G. VCF-style: chr19-36083199-A-G. GRCh37 (hg19) VCF-style: chr19-36574101-A-G.
Other names: c.1493A>G, p.Asp498Gly (NM_001411145.1); c.1508A>G, p.Asp503Gly (NM_001411146.1, NM_173636.5); c.1157A>G, p.Asp386Gly (NM_001411147.1); short protein forms D498G, D503G, D386G.
Identifiers: ClinVar variation 2103330 (VCV002103330.4), dbSNP rs2513578732, ClinGen allele CA405437491.
Genomic context (GRCh38, chr19:36,083,199, plus strand): 5'-GCGAGAATGGGACACCCATGGACGTGAAAGCCGGGGTGCGGGTCATGCAGGTCAGTCCTG[A>G]CGGCCAGCATTTGGCTTCAGGCGACCGAAGTGGAAATCTGAGGCAAGTGGGCCCTGGCAG-3'
Protein context (NP_001077430.1, residues 493-513): AGVRVMQVSP[Asp503Gly]GQHLASGDRS

ClinVar aggregate classification (germline): Uncertain significance (1 of 4 stars; one submission).

Allele frequency attached by ClinVar (database versions not stated): gnomAD exomes below 0.00001.
gnomAD v4.1: 1 of 1,610,328 alleles (0.000062%); highest among the groups gnomAD compares: Admixed American, 0.0017%; no homozygotes.

Submission:

Labcorp Genetics (formerly Invitae), Labcorp
Classification: Uncertain significance. Last evaluated: 2022-02-25. Review status: criteria provided, single submitter. Criteria: Invitae Variant Classification Sherloc (09022015). Collection method: clinical testing. Allele origin: germline.
Comment: In summary, the available evidence is currently insufficient to determine the role of this variant in disease. Therefore, it has been classified as a Variant of Uncertain Significance. Algorithms developed to predict the effect of missense changes on protein structure and function are either unavailable or do not agree on the potential impact of this missense change (SIFT: "Deleterious"; PolyPhen-2: "Probably Damaging"; Align-GVGD: "Class C0"). This variant has not been reported in the literature in individuals affected with WDR62-related conditions. This variant is not present in population databases (gnomAD no frequency). This sequence change replaces aspartic acid, which is acidic and polar, with glycine, which is neutral and non-polar, at codon 503 of the WDR62 protein (p.Asp503Gly).